The following is an entry in ClinVar:

ClinVar aggregate classification (germline): Uncertain significance. Review status: criteria provided, multiple submitters, no conflicts (2 of 4 stars). 3 submissions from 3 submitters: Uncertain significance (3). Last evaluated 2025-10-08.

Conditions:
Idiopathic Pulmonary Fibrosis. Also called: Idiopathic fibrosing alveolitis, chronic form; idiopathic fibrosing alveolitis. Identifiers: Orphanet 2032, MedGen C1800706, MeSH D054990, MONDO:0800504.
Dyskeratosis congenita, autosomal dominant 2. Identifiers: MedGen C3151443, MONDO:0013521, OMIM 613989.
Dyskeratosis congenita. Identifiers: Orphanet 1775, MedGen C0265965, MONDO:0015780.

Allele frequency attached by ClinVar (database versions not stated): TOPMed 0.00001; gnomAD 0.00003.

Submissions (3):

Labcorp Genetics (formerly Invitae), Labcorp
Classification: Uncertain significance for Dyskeratosis congenita, autosomal dominant 2; Idiopathic Pulmonary Fibrosis. Last evaluated: 2025-10-08. Review status: criteria provided, single submitter. Criteria: Invitae Variant Classification Sherloc (09022015). Collection method: clinical testing. Allele origin: germline.
Comment: This sequence change replaces glycine, which is neutral and non-polar, with cysteine, which is neutral and slightly polar, at codon 367 of the TERT protein (p.Gly367Cys). This variant is not present in population databases (gnomAD no frequency). This variant has not been reported in the literature in individuals affected with TERT-related conditions. ClinVar contains an entry for this variant (Variation ID: 852995). Invitae Evidence Modeling of protein sequence and biophysical properties (such as structural, functional, and spatial information, amino acid conservation, physicochemical variation, residue mobility, and thermodynamic stability) indicates that this missense variant is expected to disrupt TERT protein function with a positive predictive value of 95%. In summary, the available evidence is currently insufficient to determine the role of this variant in disease. Therefore, it has been classified as a Variant of Uncertain Significance.

Ambry Genetics
Classification: Uncertain significance for Dyskeratosis congenita. Last evaluated: 2025-01-16. Review status: criteria provided, single submitter. Criteria: Ambry Variant Classification Scheme 2023. Collection method: clinical testing. Allele origin: germline.
Comment: The p.G367C variant (also known as c.1099G>T), located in coding exon 2 of the TERT gene, results from a G to T substitution at nucleotide position 1099. The glycine at codon 367 is replaced by cysteine, an amino acid with highly dissimilar properties. This amino acid position is not well conserved in available vertebrate species. In addition, the in silico prediction for this alteration is inconclusive. Based on the available evidence, the clinical significance of this variant remains unclear.

GeneDx
Classification: Uncertain significance. Last evaluated: 2022-10-11. Review status: criteria provided, single submitter. Criteria: GeneDx Variant Classification Process June 2021. Collection method: clinical testing. Allele origin: germline. Affected: yes.
Comment: Not observed at significant frequency in large population cohorts (gnomAD); In silico analysis supports that this missense variant has a deleterious effect on protein structure/function; Has not been previously published as pathogenic or benign to our knowledge

NM_198253.3(TERT):c.1099G>T (p.Gly367Cys)

Gene: TERT (telomerase reverse transcriptase; minus strand). Cytogenetic location: 5p15.33.
Variant type: single nucleotide variant.
Coding change: c.1099G>T on transcript NM_198253.3 (MANE Select); coding-DNA position 1099, G replaced by T.
Protein change: p.Gly367Cys; replaces glycine 367 with cysteine.
Molecular consequence: missense variant. On other transcripts: non-coding transcript variant (2).
Genome position (GRCh38, 1-based): chr5:1,293,787, C>A on the plus strand (G>T on the coding strand, the complement: TERT is on the minus strand). VCF-style: chr5-1293787-C-A. GRCh37 (hg19) VCF-style: chr5-1293902-C-A.
Other names: c.1099G>T, p.Gly367Cys (NM_001193376.3); short protein forms G367C.
Identifiers: ClinVar variation 852995 (VCV000852995.11), dbSNP rs1751163506, ClinGen allele CA359055588.